The following is an entry in ClinVar:

NM_001170629.2(CHD8):c.6518C>A (p.Ser2173Ter)

Gene: CHD8 (chromodomain helicase DNA binding protein 8; minus strand). Cytogenetic location: 14q11.2.
Variant type: single nucleotide variant.
Coding change: c.6518C>A on transcript NM_001170629.2 (MANE Select); coding-DNA position 6518, C replaced by A.
Protein change: p.Ser2173Ter; replaces serine 2173 with a stop codon.
Molecular consequence: nonsense.
Genome position (GRCh38, 1-based): chr14:21,392,760, G>T on the plus strand (C>A on the coding strand, the complement: CHD8 is on the minus strand). VCF-style: chr14-21392760-G-T. GRCh37 (hg19) VCF-style: chr14-21860919-G-T.
Other names: c.5681C>A, p.Ser1894Ter (NM_020920.4); short protein forms S1894*, S2173*.
Identifiers: ClinVar variation 374261 (VCV000374261.2), dbSNP rs781575717, ClinGen allele CA16043684.

ClinVar aggregate classification (germline): Pathogenic (0 of 4 stars; one submission).

Conditions:
Intellectual developmental disorder with autism and macrocephaly. Also called: CHD8-Related Neurodevelopmental Disorder with Overgrowth; Autism, susceptibility to, 18. Identifiers: Orphanet 642675, MedGen C3554373, MONDO:0014017, OMIM 615032.

Submission:

Baylor Genetics
Classification: Pathogenic for Intellectual developmental disorder with autism and macrocephaly. Last evaluated: 2014-02-14. Review status: no assertion criteria provided. Collection method: clinical testing. Allele origin: germline. Inheritance: Autosomal dominant inheritance. Affected: yes. Observed: 1 variant allele, 1 heterozygote.
Comment: The CHD8 variant is predicted to cause a nonsense mutation and is categorized as deleterious by ACMGG guidelines [PMID: 18414213].